The following is an entry in ClinVar:

ClinVar aggregate classification (germline): Uncertain significance (1 of 4 stars; one submission).

Submission:

GeneDx
Classification: Uncertain significance. Last evaluated: 2025-04-03. Review status: criteria provided, single submitter. Criteria: GeneDx Variant Classification Process June 2021. Collection method: clinical testing. Allele origin: germline. Affected: yes.
Comment: Not observed at significant frequency in large population cohorts (gnomAD); In silico analysis indicates that this missense variant does not alter protein structure/function; Has not been previously published as pathogenic or benign to our knowledge

NM_001271.4(CHD2):c.904G>A (p.Glu302Lys)

Gene: CHD2 (chromodomain helicase DNA binding protein 2; plus strand). Cytogenetic location: 15q26.1.
Variant type: single nucleotide variant.
Coding change: c.904G>A on transcript NM_001271.4 (MANE Select); coding-DNA position 904, G replaced by A.
Protein change: p.Glu302Lys; replaces glutamic acid 302 with lysine.
Molecular consequence: missense variant.
Genome position (GRCh38, 1-based): chr15:92,942,920, G>A. VCF-style: chr15-92942920-G-A. GRCh37 (hg19) VCF-style: chr15-93486150-G-A.
Other names: c.904G>A, p.Glu302Lys (NM_001042572.3); short protein forms E302K.
Identifiers: ClinVar variation 4278524 (VCV004278524.1).
Genomic context (GRCh38, chr15:92,942,920, plus strand): 5'-ACTGTATATGCGATTGAAGCTAATGGCGACCCTAGTGGTGACTTTGACACTGAAAAGGAT[G>A]AAGGTGAAATCCAGTACCTCATCAAGTGGAAGGGTTGGTCTTACATCCACAGCACATGGG-3'
Protein context (NP_001262.3, residues 292-312): PSGDFDTEKD[Glu302Lys]GEIQYLIKWK